The following is an entry in ClinVar:

ClinVar aggregate classification (germline): Uncertain significance. Review status: criteria provided, multiple submitters, no conflicts (2 of 4 stars). 3 submissions from 3 submitters: Uncertain significance (3). Last evaluated 2025-11-13.

Conditions:
Hereditary pulmonary alveolar proteinosis. Also called: Pulmonary surfactant metabolism dysfunction. Identifiers: Orphanet 264675, MedGen C3711368, MONDO:0012580.
Surfactant metabolism dysfunction, pulmonary, 1. Also called: Neonatal acute respiratory distress due to SP-B deficiency; INTERSTITIAL LUNG DISEASE DUE TO SURFACTANT PROTEIN B DEFICIENCY; INTERSTITIAL LUNG DISEASE, NONSPECIFIC, DUE TO SURFACTANT PROTEIN B DEFICIENCY; PULMONARY ALVEOLAR PROTEINOSIS, CONGENITAL, 1; Pulmonary surfactant protein B, deficiency of. Identifiers: Orphanet 217563, MedGen C1968602, MONDO:0009929, OMIM 265120.

Allele frequency attached by ClinVar (database versions not stated): gnomAD exomes 0.00005; ExAC 0.00007; TOPMed 0.00021; ESP Exome Variant Server 0.00023; gnomAD 0.00023; 1000 Genomes Project 0.00060; 1000 Genomes Project 30x 0.00062.
gnomAD v4.1: 60 of 1,614,050 alleles (0.0037%); highest among the groups gnomAD compares: African/African-American, 0.08%; no homozygotes.

Submissions (3):

Ambry Genetics
Classification: Uncertain significance for Hereditary pulmonary alveolar proteinosis. Last evaluated: 2025-11-13. Review status: criteria provided, single submitter. Criteria: Ambry Variant Classification Scheme 2023. Collection method: clinical testing. Allele origin: germline.

Illumina Laboratory Services, Illumina
Classification: Uncertain significance for Surfactant metabolism dysfunction, pulmonary, 1. Last evaluated: 2018-01-12. Review status: criteria provided, single submitter. Criteria: ICSL Variant Classification Criteria 13 December 2019. Collection method: clinical testing. Allele origin: germline.

Laboratory for Molecular Medicine, Mass General Brigham Personalized Medicine
Classification: Uncertain significance. Last evaluated: 2013-12-27. Review status: criteria provided, single submitter. Criteria: LMM Criteria. Collection method: clinical testing. Allele origin: germline. Observed: 1 variant allele.
Comment: Variant classified as Uncertain Significance - Favor Benign. The Gly195Glu varia nt in SFTPB has not been previously identified in individuals with pulmonary dis ease. This variant has been identified in 0.07% (3/4404) African American chromo somes by the NHLBI Exome Sequencing Project (dbSNP rs35524245). Glycine at position 195 is not well conserved in evolution, a nd the variant residue (Glutamic acid) has been observed in four mammalian speci es (black flying fox, megabat, elephant shrew and opossum), suggesting that the change may be tolerated. Additional computational analyses (biochemical amino ac id properties, AlignGVGD, PolyPhen2, and SIFT) also suggest that the Gly195Glu v ariant may not impact the protein. In summary, the lack of evolutionary conserva tion suggests that this variant may be more likely benign, but additional inform ation is needed to fully assess its clinical significance.

NM_000542.5(SFTPB):c.548G>A (p.Gly183Glu)

Gene: SFTPB (surfactant protein B; minus strand). Cytogenetic location: 2p11.2.
Variant type: single nucleotide variant.
Coding change: c.548G>A on transcript NM_000542.5 (MANE Select); coding-DNA position 548, G replaced by A.
Protein change: p.Gly183Glu; replaces glycine 183 with glutamic acid.
Molecular consequence: missense variant.
Genome position (GRCh38, 1-based): chr2:85,665,640, C>T on the plus strand (G>A on the coding strand, the complement: SFTPB is on the minus strand). VCF-style: chr2-85665640-C-T. GRCh37 (hg19) VCF-style: chr2-85892763-C-T.
Other names: c.548G>A, p.Gly183Glu (NM_001367281.2, NM_198843.4); short protein forms G183E.
Identifiers: ClinVar variation 178807 (VCV000178807.10), dbSNP rs35524245, ClinGen allele CA183074.